The following is an entry in ClinVar:

NM_001164508.2(NEB):c.17606C>T (p.Ala5869Val)

Gene: NEB (nebulin; minus strand). Cytogenetic location: 2q23.3.
Variant type: single nucleotide variant.
Coding change: c.17606C>T on transcript NM_001164508.2 (MANE Select); coding-DNA position 17606, C replaced by T.
Protein change: p.Ala5869Val; replaces alanine 5869 with valine.
Molecular consequence: missense variant.
Genome position (GRCh38, 1-based): chr2:151,568,646, G>A on the plus strand (C>T on the coding strand, the complement: NEB is on the minus strand). VCF-style: chr2-151568646-G-A. GRCh37 (hg19) VCF-style: chr2-152425160-G-A.
Other names: c.17606C>T, p.Ala5869Val (NM_001164507.2, NM_001271208.2); c.12503C>T, p.Ala4168Val (NM_004543.5); short protein forms A4168V, A5869V.
Identifiers: ClinVar variation 1304599 (VCV001304599.8), dbSNP rs79205344, ClinGen allele CA1908169.
Genomic context (GRCh38, chr2:151,568,646, plus strand): 5'-ACTGTGAGATTTTAAAACAGCCATATACTTACATCATCGAGGATCTCGCCACTTTGTTTC[G>A]CTGTCACATAATCAACTCTGTCATCCACAGGCGTAAAGTTGAGAGTTTCTATTTTTGTGC-3'
Protein context (NP_001157980.2, residues 5859-5879): PVDDRVDYVT[Ala5869Val]KQSGEILDDI

ClinVar aggregate classification (germline): Conflicting classifications of pathogenicity. Review status: criteria provided, conflicting classifications (1 of 4 stars). 3 submissions from 3 submitters: Uncertain significance (2); Benign (1). Last evaluated 2026-01-26.

Conditions:
Nemaline myopathy 2 (NEM2). Also called: Nemaline myopathy 2, autosomal recessive. Identifiers: MedGen C1850569, MONDO:0009725, OMIM 256030.

Allele frequency attached by ClinVar (database versions not stated): gnomAD 0.00005 and 0.00001; ExAC 0.00019; 1000 Genomes Project 0.00060; TOPMed 0.00001; gnomAD exomes 0.00010 and 0.00012; 1000 Genomes Project 30x 0.00047.
gnomAD v4.1: 176 of 1,609,280 alleles (0.011%); highest among the groups gnomAD compares: East Asian, 0.36%; no homozygotes.

Submissions (3):

Labcorp Genetics (formerly Invitae), Labcorp
Classification: Benign for Nemaline myopathy 2. Last evaluated: 2026-01-26. Review status: criteria provided, single submitter. Criteria: Invitae Variant Classification Sherloc (09022015). Collection method: clinical testing. Allele origin: germline.

Revvity Omics, Revvity
Classification: Uncertain significance. Last evaluated: 2023-01-09. Review status: criteria provided, single submitter. Criteria: ACMG Guidelines, 2015. Collection method: clinical testing. Allele origin: germline.

GeneDx
Classification: Uncertain significance. Last evaluated: 2020-03-03. Review status: criteria provided, single submitter. Criteria: GeneDx Variant Classification Process June 2021. Collection method: clinical testing. Allele origin: germline. Affected: yes.
Comment: In silico analysis supports that this missense variant has a deleterious effect on protein structure/function; Has not been previously published as pathogenic or benign to our knowledge